The following is an entry in ClinVar:

NM_024685.4(BBS10):c.1337_1338del (p.Phe446fs)

Gene: BBS10 (Bardet-Biedl syndrome 10; minus strand). Cytogenetic location: 12q21.2.
Variant type: Deletion.
Coding change: c.1337_1338del on transcript NM_024685.4 (MANE Select); coding-DNA positions 1337 to 1338, 2 bases deleted (TT; older notation c.1337_1338delTT).
Protein change: p.Phe446fs; shifts the reading frame from phenylalanine 446.
Molecular consequence: frameshift variant.
Genome position (GRCh38, 1-based): chr12:76,346,647-76,346,648, AA deleted on the plus strand (TT on the coding strand, the reverse complement: BBS10 is on the minus strand); deleting any 2 consecutive bases within chr12:76,346,647-76,346,651 gives the same sequence; the c. name uses the placement nearest the transcript's 3' end. VCF-style (leftmost placement, unchanged base first): chr12-76346646-TAA-T. GRCh37 (hg19) VCF-style: chr12-76740426-TAA-T.
Other names: c.1337_1338delTT (NM_024685.4); short protein forms F446fs.
Identifiers: ClinVar variation 975077 (VCV000975077.6), dbSNP rs1389599028, ClinGen allele CA606185947.

ClinVar aggregate classification (germline): Pathogenic/Likely pathogenic. Review status: criteria provided, multiple submitters, no conflicts (2 of 4 stars). 3 submissions from 3 submitters: Pathogenic (1); Likely pathogenic (2). Last evaluated 2024-03-12.

Conditions:
Bardet-Biedl syndrome 10 (BBS10). Identifiers: Orphanet 110, MedGen C1859568, MONDO:0014438, OMIM 615987.

Submissions (3):

Fulgent Genetics
Classification: Likely pathogenic for Bardet-Biedl syndrome 10. Last evaluated: 2024-03-12. Review status: criteria provided, single submitter. Criteria: ACMG Guidelines, 2015. Collection method: clinical testing. Allele origin: germline.

Victorian Clinical Genetics Services, Murdoch Childrens Research Institute
Classification: Likely pathogenic for Bardet-Biedl syndrome 10. Last evaluated: 2018-08-06. Review status: criteria provided, single submitter. Criteria: ACMG Guidelines, 2015. Collection method: clinical testing. Allele origin: unknown. Affected: yes.
Comment: A homozygous frameshift deletion variant, NM_024685.3(BBS10):c.1337_1338delTT, has been identified in exon 2 of 2 of the BBS10 gene. This deletion is predicted to create a frameshift starting at amino acid position 446, introducing a stop codon 3 residues downstream (NP_078961.3(BBS10):p.(Phe446Tyrfs*3)). This variant is predicted to result in loss of protein function through truncation (although no known functional domains are affected). However, loss of function via NMD has not been excluded. The variant is present in the gnomAD database at a frequency of 0.0004% (1 heterozygote). This variant has not been previously reported in clinical cases. Multiple truncating mutations downstream of this variant have also been shown to cause Bardet-Biedl syndrome 10 (ClinVar, HGMD). Based on the information available at the time of curation, this variant has been classified as LIKELY PATHOGENIC.

Kasturba Medical College, Manipal, Kasturba Medical College, Manipal, Manipal Academy of Higher Education, Manipal, India
Classification: Pathogenic for Bardet-Biedl syndrome 10. Review status: criteria provided, single submitter. Criteria: ACMG Guidelines, 2015. Collection method: clinical testing. Allele origin: inherited. Inheritance: Autosomal recessive inheritance. Affected: yes.

Literature cited by the submitters: PubMed 30408610 (cited by Kasturba Medical College, Manipal, Kasturba Medical College, Manipal, Manipal Academy of Higher Education, Manipal, India).